The following is an entry in ClinVar:

NM_004385.5(VCAN):c.9010C>T (p.Leu3004Phe)

Genes: VCAN (versican; plus strand), VCAN-AS1 (VCAN antisense RNA 1; minus strand). Cytogenetic location: 5q14.3.
Variant type: single nucleotide variant.
Coding change: c.9010C>T on transcript NM_004385.5 (MANE Select); coding-DNA position 9010, C replaced by T.
Protein change: p.Leu3004Phe; replaces leucine 3004 with phenylalanine.
Molecular consequence: missense variant. On other transcripts: intron variant (2).
Genome position (GRCh38, 1-based): chr5:83,542,013, C>T. VCF-style: chr5-83542013-C-T. GRCh37 (hg19) VCF-style: chr5-82837832-C-T.
Other names: c.6049C>T, p.Leu2017Phe (NM_001164097.2); c.4004-3524C>T (NM_001164098.2); c.1043-3524C>T (NM_001126336.3); short protein forms L3004F, L2017F.
Identifiers: ClinVar variation 1038590 (VCV001038590.8), dbSNP rs962773800, ClinGen allele CA121777032.

ClinVar aggregate classification (germline): Uncertain significance (1 of 4 stars; one submission).

Allele frequency attached by ClinVar (database versions not stated): gnomAD exomes below 0.00001; gnomAD 0.00001; TOPMed 0.00002.
gnomAD v4.1: 4 of 1,610,172 alleles (0.00025%); highest among the groups gnomAD compares: African/African-American, 0.004%; no homozygotes.

Submission:

Labcorp Genetics (formerly Invitae), Labcorp
Classification: Uncertain significance. Last evaluated: 2023-08-04. Review status: criteria provided, single submitter. Criteria: Invitae Variant Classification Sherloc (09022015). Collection method: clinical testing. Allele origin: germline.
Comment: In summary, the available evidence is currently insufficient to determine the role of this variant in disease. Therefore, it has been classified as a Variant of Uncertain Significance. Algorithms developed to predict the effect of missense changes on protein structure and function output the following: SIFT: "Not Available"; PolyPhen-2: "Benign"; Align-GVGD: "Not Available". The phenylalanine amino acid residue is found in multiple mammalian species, which suggests that this missense change does not adversely affect protein function. ClinVar contains an entry for this variant (Variation ID: 1038590). This variant has not been reported in the literature in individuals affected with VCAN-related conditions. This variant is not present in population databases (gnomAD no frequency). This sequence change replaces leucine, which is neutral and non-polar, with phenylalanine, which is neutral and non-polar, at codon 3004 of the VCAN protein (p.Leu3004Phe).